The following is an entry in ClinVar:

NM_003791.4(MBTPS1):c.2396A>G (p.Asp799Gly)

Gene: MBTPS1 (membrane bound transcription factor peptidase, site 1; minus strand). Cytogenetic location: 16q23.3.
Variant type: single nucleotide variant.
Coding change: c.2396A>G on transcript NM_003791.4 (MANE Select); coding-DNA position 2396, A replaced by G.
Protein change: p.Asp799Gly; replaces aspartic acid 799 with glycine.
Molecular consequence: missense variant.
Genome position (GRCh38, 1-based): chr16:84,065,725, T>C on the plus strand (A>G on the coding strand, the complement: MBTPS1 is on the minus strand). VCF-style: chr16-84065725-T-C. GRCh37 (hg19) VCF-style: chr16-84099330-T-C.
Other names: short protein forms D799G.
Identifiers: ClinVar variation 2068728 (VCV002068728.1), dbSNP rs138142996, ClinGen allele CA8200930.

ClinVar aggregate classification (germline): Uncertain significance (1 of 4 stars; one submission).

Allele frequency attached by ClinVar (database versions not stated): gnomAD exomes 0.00005; ExAC 0.00013; TOPMed 0.00049; ESP Exome Variant Server 0.00054; gnomAD 0.00054; 1000 Genomes Project 30x 0.00078; 1000 Genomes Project 0.00080.
gnomAD v4.1: 156 of 1,612,080 alleles (0.0097%); highest among the groups gnomAD compares: African/African-American, 0.2%; no homozygotes.

Submission:

Labcorp Genetics (formerly Invitae), Labcorp
Classification: Uncertain significance. Last evaluated: 2022-07-19. Review status: criteria provided, single submitter. Criteria: Invitae Variant Classification Sherloc (09022015). Collection method: clinical testing. Allele origin: germline.
Comment: This sequence change replaces aspartic acid, which is acidic and polar, with glycine, which is neutral and non-polar, at codon 799 of the MBTPS1 protein (p.Asp799Gly). This variant is present in population databases (rs138142996, gnomAD 0.2%). This variant has not been reported in the literature in individuals affected with MBTPS1-related conditions. Algorithms developed to predict the effect of missense changes on protein structure and function (SIFT, PolyPhen-2, Align-GVGD) all suggest that this variant is likely to be tolerated. In summary, the available evidence is currently insufficient to determine the role of this variant in disease. Therefore, it has been classified as a Variant of Uncertain Significance.